The following is an entry in ClinVar:

ClinVar aggregate classification (germline): Uncertain significance (1 of 4 stars; one submission).

Conditions:
Bardet-Biedl syndrome (BBS). Identifiers: Orphanet 110, MedGen C0752166, MONDO:0015229.

Submission:

Labcorp Genetics (formerly Invitae), Labcorp
Classification: Uncertain significance for Bardet-Biedl syndrome. Last evaluated: 2022-05-17. Review status: criteria provided, single submitter. Criteria: Invitae Variant Classification Sherloc (09022015). Collection method: clinical testing. Allele origin: germline.
Comment: In summary, the available evidence is currently insufficient to determine the role of this variant in disease. Therefore, it has been classified as a Variant of Uncertain Significance. Experimental studies and prediction algorithms are not available or were not evaluated, and the functional significance of this variant is currently unknown. This variant has not been reported in the literature in individuals affected with BBS4-related conditions. This variant is not present in population databases (gnomAD no frequency). This sequence change creates a premature translational stop signal (p.Gln490*) in the BBS4 gene. While this is not anticipated to result in nonsense mediated decay, it is expected to disrupt the last 30 amino acid(s) of the BBS4 protein.

NM_033028.5(BBS4):c.1468C>T (p.Gln490Ter)

Gene: BBS4 (Bardet-Biedl syndrome 4; plus strand). Cytogenetic location: 15q24.1.
Variant type: single nucleotide variant.
Coding change: c.1468C>T on transcript NM_033028.5 (MANE Select); coding-DNA position 1468, C replaced by T.
Protein change: p.Gln490Ter; replaces glutamine 490 with a stop codon.
Molecular consequence: nonsense. On other transcripts: non-coding transcript variant (2).
Genome position (GRCh38, 1-based): chr15:72,737,495, C>T. VCF-style: chr15-72737495-C-T. GRCh37 (hg19) VCF-style: chr15-73029836-C-T.
Other names: c.952C>T, p.Gln318Ter (NM_001252678.2); c.1399C>T, p.Gln467Ter (NM_001320665.2); short protein forms Q490*, Q467*, Q318*.
Identifiers: ClinVar variation 1961441 (VCV001961441.5), dbSNP rs2543020098, ClinGen allele CA393081166.
Genomic context (GRCh38, chr15:72,737,495, plus strand): 5'-AAATTGTGGAACATGAGGATTCAAGTTTTTATTTTGTTACTAGGTGCTGGAGGAACATCC[C>T]AGTTCACAAAGCCCCCATCTCTTCCTCTGGAGCCAGAGCCTGCGGTGGAATCAAGTCCAA-3'